The following is an entry in ClinVar:

ClinVar aggregate classification (germline): Uncertain significance (1 of 4 stars; one submission).

Conditions:
MEGF10-related myopathy (CMYO10A). Also called: Congenital myopathy 10A, severe variant. Identifiers: Orphanet 439212, MedGen C3280679, MONDO:0013731, OMIM 614399.

Allele frequency attached by ClinVar (database versions not stated): gnomAD exomes below 0.00001.
gnomAD v4.1: 2 of 1,614,090 alleles (0.00012%); highest among the groups gnomAD compares: South Asian, 0.0011%; no homozygotes.

Submission:

Labcorp Genetics (formerly Invitae), Labcorp
Classification: Uncertain significance for MEGF10-related myopathy. Last evaluated: 2022-03-09. Review status: criteria provided, single submitter. Criteria: Invitae Variant Classification Sherloc (09022015). Collection method: clinical testing. Allele origin: germline.
Comment: This sequence change replaces tyrosine, which is neutral and polar, with cysteine, which is neutral and slightly polar, at codon 879 of the MEGF10 protein (p.Tyr879Cys). In summary, the available evidence is currently insufficient to determine the role of this variant in disease. Therefore, it has been classified as a Variant of Uncertain Significance. Algorithms developed to predict the effect of missense changes on protein structure and function are either unavailable or do not agree on the potential impact of this missense change (SIFT: "Deleterious"; PolyPhen-2: "Possibly Damaging"; Align-GVGD: "Class C0"). ClinVar contains an entry for this variant (Variation ID: 933344). This variant has not been reported in the literature in individuals affected with MEGF10-related conditions. This variant is not present in population databases (gnomAD no frequency).

NM_001256545.2(MEGF10):c.2636A>G (p.Tyr879Cys)

Gene: MEGF10 (multiple EGF like domains 10; plus strand). Cytogenetic location: 5q23.2.
Variant type: single nucleotide variant.
Coding change: c.2636A>G on transcript NM_001256545.2 (MANE Select); coding-DNA position 2636, A replaced by G.
Protein change: p.Tyr879Cys; replaces tyrosine 879 with cysteine.
Molecular consequence: missense variant.
Genome position (GRCh38, 1-based): chr5:127,445,601, A>G. VCF-style: chr5-127445601-A-G. GRCh37 (hg19) VCF-style: chr5-126781293-A-G.
Other names: c.2636A>G, p.Tyr879Cys (NM_032446.3); short protein forms Y879C.
Identifiers: ClinVar variation 933344 (VCV000933344.10), dbSNP rs1765915785, ClinGen allele CA360734820.